The following is an entry in ClinVar:

ClinVar aggregate classification (germline): Likely benign. Review status: criteria provided, multiple submitters, no conflicts (2 of 4 stars). 3 submissions from 3 submitters: Likely benign (3). Last evaluated 2026-06-19.

Conditions:
Dilated cardiomyopathy 1AA (CMD1AA). Also called: CARDIOMYOPATHY, DILATED, 1AA, WITH OR WITHOUT LEFT VENTRICULAR NONCOMPACTION; CARDIOMYOPATHY, FAMILIAL HYPERTROPHIC, 23, WITH OR WITHOUT LEFT VENTRICULAR NONCOMPACTION; Cardiomyopathy, dilated, 1AA, with or without LVNC. Identifiers: Orphanet 154, MedGen C2677338, MONDO:0012808, OMIM 612158.
Primary familial hypertrophic cardiomyopathy (HCM). Identifiers: Orphanet 99739, MedGen C0949658, MeSH D024741, MONDO:0024573. Inheritance: Various modes of inheritance.
ACTN2-related disorder. Also called: ACTN2-related disorders; ACTN2 related condition.
Cardiovascular phenotype. Identifiers: MedGen CN230736.

gnomAD v4.1: 3 of 1,614,182 alleles (0.00019%); highest among the groups gnomAD compares: Non-Finnish European, 0.00025%; no homozygotes.

Submissions (3):

PreventionGenetics, part of Exact Sciences
Classification: Likely benign for ACTN2-related condition. Last evaluated: 2026-06-19. Review status: criteria provided, single submitter. Criteria: ACMG Guidelines, 2015. Collection method: clinical testing. Allele origin: germline.
Comment: This variant is classified as likely benign based on ACMG/AMP sequence variant interpretation guidelines (Richards et al. 2015 PMID: 25741868, with internal and published modifications).

Labcorp Genetics (formerly Invitae), Labcorp
Classification: Likely benign for Primary familial hypertrophic cardiomyopathy; Dilated cardiomyopathy 1AA. Last evaluated: 2025-12-08. Review status: criteria provided, single submitter. Criteria: Invitae Variant Classification Sherloc (09022015). Collection method: clinical testing. Allele origin: germline.

Ambry Genetics
Classification: Likely benign for Cardiovascular phenotype. Last evaluated: 2021-08-02. Review status: criteria provided, single submitter. Criteria: Ambry Variant Classification Scheme 2023. Collection method: clinical testing. Allele origin: germline.

NM_001103.4(ACTN2):c.1359G>C (p.Ala453=)

Gene: ACTN2 (actinin alpha 2; plus strand). Cytogenetic location: 1q43.
Variant type: single nucleotide variant.
Coding change: c.1359G>C on transcript NM_001103.4 (MANE Select); coding-DNA position 1359, G replaced by C.
Protein change: p.Ala453=; no amino-acid change (alanine 453 retained).
Molecular consequence: synonymous variant.
Genome position (GRCh38, 1-based): chr1:236,744,729, G>C. VCF-style: chr1-236744729-G-C. GRCh37 (hg19) VCF-style: chr1-236908029-G-C.
Other names: c.1359G>C (NM_001103.3); c.1359G>C, p.Ala453= (NM_001278343.2); c.735G>C, p.Ala245= (NM_001278344.2).
Identifiers: ClinVar variation 1633956 (VCV001633956.11), dbSNP rs780174131, ClinGen allele CA39730485.